The following is an entry in ClinVar:

NM_198123.2(CSMD3):c.1962T>G (p.Val654=)

Gene: CSMD3 (CUB and Sushi multiple domains 3; minus strand). Cytogenetic location: 8q23.3.
Variant type: single nucleotide variant.
Coding change: c.1962T>G on transcript NM_198123.2 (MANE Select); coding-DNA position 1962, T replaced by G.
Protein change: p.Val654=; no amino-acid change (valine 654 retained).
Molecular consequence: synonymous variant.
Genome position (GRCh38, 1-based): chr8:112,800,172, A>C on the plus strand (T>G on the coding strand, the complement: CSMD3 is on the minus strand). VCF-style: chr8-112800172-A-C. GRCh37 (hg19) VCF-style: chr8-113812401-A-C.
Other names: c.1572T>G, p.Val524= (NM_001363185.1); c.1650T>G, p.Val550= (NM_052900.3); c.1842T>G, p.Val614= (NM_198124.2).
Identifiers: ClinVar variation 3051586 (VCV003051586.2), dbSNP rs754352558, ClinGen allele CA4850803.
Genomic context (GRCh38, chr8:112,800,172, plus strand): 5'-TTCTCTGGTGGTATTAAGATAACATTTCCTATGTAGAAATTAATCATTACCTTTGTAGTT[A>C]ACCTTGAAACCAACAGATCCAACACTTTCGTCCGTTTGAAGGTGCAGCCACATTTGGCTA-3'
Protein context (NP_937756.1, residues 644-664): DESVGSVGFK[Val654=]NYKEIEKESC

ClinVar aggregate classification (germline): Likely benign (0 of 4 stars; one submission).

Conditions:
CSMD3-related disorder. Also called: CSMD3-related condition.

Allele frequency attached by ClinVar (database versions not stated): gnomAD 0.00001; gnomAD exomes 0.00001; ExAC 0.00004; TOPMed 0.00004.
gnomAD v4.1: 16 of 1,604,122 alleles (0.001%); highest among the groups gnomAD compares: Admixed American, 0.027%; no homozygotes.

Submission:

PreventionGenetics, part of Exact Sciences
Classification: Likely benign for CSMD3-related condition. Last evaluated: 2020-01-31. Review status: no assertion criteria provided. Collection method: clinical testing. Allele origin: germline.
Comment: This variant is classified as likely benign based on ACMG/AMP sequence variant interpretation guidelines (Richards et al. 2015 PMID: 25741868, with internal and published modifications).